The following is an entry in ClinVar:

NM_001374828.1(ARID1B):c.6342A>T (p.Ala2114=)

Gene: ARID1B (AT-rich interaction domain 1B; plus strand). Cytogenetic location: 6q25.3.
Variant type: single nucleotide variant.
Coding change: c.6342A>T on transcript NM_001374828.1 (MANE Select); coding-DNA position 6342, A replaced by T.
Protein change: p.Ala2114=; no amino-acid change (alanine 2114 retained).
Molecular consequence: synonymous variant.
Genome position (GRCh38, 1-based): chr6:157,207,114, A>T. VCF-style: chr6-157207114-A-T. GRCh37 (hg19) VCF-style: chr6-157528248-A-T.
Other names: c.6093A>T, p.Ala2031= (NM_001346813.1); c.3843A>T, p.Ala1281= (NM_001363725.2); c.6222A>T, p.Ala2074= (NM_001371656.1, NM_001374820.1); c.6183A>T, p.Ala2061= (NM_017519.3); c.5973A>T, p.Ala1991= (NM_020732.3); c.5760A>T, p.Ala1920= (NM_175863.2).
Identifiers: ClinVar variation 1750795 (VCV001750795.7), dbSNP rs570594202, ClinGen allele CA4067996.

ClinVar aggregate classification (germline): Likely benign. Review status: criteria provided, multiple submitters, no conflicts (2 of 4 stars). 3 submissions from 3 submitters: Likely benign (2). 1 of the submissions does not count toward it. Last evaluated 2024-03-21.

Conditions:
ARID1B-Related Disorder. Identifiers: MedGen CN381337.
Inborn genetic diseases. Identifiers: MedGen C0950123, MeSH D030342.

Allele frequency attached by ClinVar (database versions not stated): ExAC 0.00002; TOPMed 0.00008; gnomAD 0.00009; 1000 Genomes Project 0.00020; 1000 Genomes Project 30x 0.00031.

Submissions (3):

Labcorp Genetics (formerly Invitae), Labcorp
Classification: Likely benign. Last evaluated: 2024-03-21. Review status: criteria provided, single submitter. Criteria: Invitae Variant Classification Sherloc (09022015). Collection method: clinical testing. Allele origin: germline.

Ambry Genetics
Classification: Likely benign for Inborn genetic diseases. Last evaluated: 2018-07-16. Review status: criteria provided, single submitter. Criteria: Ambry Variant Classification Scheme 2023. Collection method: clinical testing. Allele origin: germline.

PreventionGenetics, part of Exact Sciences
Classification: Likely benign for ARID1B-related condition. Last evaluated: 2023-05-30. Review status: no assertion criteria provided. Collection method: clinical testing. Allele origin: germline. Not counted in ClinVar's aggregate classification.
Comment: This variant is classified as likely benign based on ACMG/AMP sequence variant interpretation guidelines (Richards et al. 2015 PMID: 25741868, with internal and published modifications).